The following is an entry in ClinVar:

NM_000548.5(TSC2):c.1961G>A (p.Gly654Asp)

Gene: TSC2 (TSC complex subunit 2; plus strand). Cytogenetic location: 16p13.3.
Variant type: single nucleotide variant.
Coding change: c.1961G>A on transcript NM_000548.5 (MANE Select); coding-DNA position 1961, G replaced by A.
Protein change: p.Gly654Asp; replaces glycine 654 with aspartic acid.
Molecular consequence: missense variant. On other transcripts: non-coding transcript variant (5).
Genome position (GRCh38, 1-based): chr16:2,071,798, G>A. VCF-style: chr16-2071798-G-A. GRCh37 (hg19) VCF-style: chr16-2121799-G-A.
Other names: c.1961G>A, p.Gly654Asp (NM_001077183.3, NM_001114382.3, NM_001363528.2 and 6 more transcripts); c.1850G>A, p.Gly617Asp (NM_001318827.2, NM_001406670.1, NM_001406678.1); c.1814G>A, p.Gly605Asp (NM_001318829.2, NM_001406675.1, NM_001406676.1 and 1 more transcripts); c.1361G>A, p.Gly454Asp (NM_001318831.2, NM_001406680.1, NM_001406682.1 and 6 more transcripts); c.1994G>A, p.Gly665Asp (NM_001318832.2); c.1499G>A, p.Gly500Asp (NM_001406681.1); c.2051G>A, p.Gly684Asp (NM_001406667.1, NM_001406668.1); c.1949G>A, p.Gly650Asp (NM_001406671.1, NM_001406673.1); and 3 more; short protein forms G617D, G120D, G654D, G605D, G635D, G665D, G454D, G500D.
Identifiers: ClinVar variation 3329517 (VCV003329517.1).

ClinVar aggregate classification (germline): Uncertain significance (1 of 4 stars; one submission).

Conditions:
Hereditary cancer-predisposing syndrome. Also called: Neoplastic Syndromes, Hereditary; Tumor predisposition; Hereditary neoplastic syndrome; Hereditary Cancer Syndrome. Identifiers: Orphanet 140162, MedGen C0027672, MeSH D009386, MONDO:0015356.

Submission:

Ambry Genetics
Classification: Uncertain significance for Hereditary cancer-predisposing syndrome. Last evaluated: 2024-05-15. Review status: criteria provided, single submitter. Criteria: Ambry Variant Classification Scheme 2023. Collection method: clinical testing. Allele origin: germline.
Comment: The p.G654D variant (also known as c.1961G>A), located in coding exon 18 of the TSC2 gene, results from a G to A substitution at nucleotide position 1961. The glycine at codon 654 is replaced by aspartic acid, an amino acid with similar properties. This amino acid position is conserved. In addition, this alteration is predicted to be tolerated by in silico analysis. Based on the available evidence, the clinical significance of this variant remains unclear.